The following is an entry in ClinVar:

ClinVar aggregate classification (germline): Uncertain significance (1 of 4 stars; one submission).

Conditions:
Candidiasis, familial, 9 (CANDF9). Identifiers: Orphanet 1334, MedGen C4225324, MONDO:0014642, OMIM 616445.

Submission:

Labcorp Genetics (formerly Invitae), Labcorp
Classification: Uncertain significance for Candidiasis, familial, 9. Last evaluated: 2022-01-14. Review status: criteria provided, single submitter. Criteria: Invitae Variant Classification Sherloc (09022015). Collection method: clinical testing. Allele origin: germline.
Comment: In summary, the available evidence is currently insufficient to determine the role of this variant in disease. Therefore, it has been classified as a Variant of Uncertain Significance. Algorithms developed to predict the effect of missense changes on protein structure and function (SIFT, PolyPhen-2, Align-GVGD) all suggest that this variant is likely to be tolerated. This variant has not been reported in the literature in individuals affected with IL17RC-related conditions. This variant is not present in population databases (gnomAD no frequency). This sequence change replaces arginine, which is basic and polar, with glycine, which is neutral and non-polar, at codon 111 of the IL17RC protein (p.Arg111Gly).

NM_153460.4(IL17RC):c.118C>G (p.Arg40Gly)

Gene: IL17RC (interleukin 17 receptor C; plus strand). Cytogenetic location: 3p25.3.
Variant type: single nucleotide variant.
Coding change: c.118C>G on transcript NM_153460.4 (MANE Select); coding-DNA position 118, C replaced by G.
Protein change: p.Arg40Gly; replaces arginine 40 with glycine.
Molecular consequence: missense variant. On other transcripts: non-coding transcript variant (1).
Genome position (GRCh38, 1-based): chr3:9,917,725, C>G. VCF-style: chr3-9917725-C-G. GRCh37 (hg19) VCF-style: chr3-9959409-C-G.
Other names: c.118C>G, p.Arg40Gly (NM_001203263.2, NM_001203264.2, NM_001203265.2 and 5 more transcripts); c.331C>G, p.Arg111Gly (NM_153461.4); short protein forms R40G, R111G.
Identifiers: ClinVar variation 2082502 (VCV002082502.4), dbSNP rs757246461, ClinGen allele CA351754536.
Genomic context (GRCh38, chr3:9,917,725, plus strand): 5'-CTAGATGGTGGGGGCACAAATTCTGACTCTCCTTTCTTTCCTTCCCAGGGCCTCTCCTGC[C>G]GCCTCTGGGGTAAGTATCCCTACTTTTAAAAAGAATTTCCCAGGTTGGCCGAAGGGAGCA-3'
Protein context (NP_703190.2, residues 30-50): ATHCSPGLSC[Arg40Gly]LWDSDILCLP